The following is an entry in ClinVar:

ClinVar aggregate classification (germline): Uncertain significance (1 of 4 stars; one submission).

gnomAD v4.1: 19 of 1,437,042 alleles (0.0013%); highest among the groups gnomAD compares: African/African-American, 0.025%; no homozygotes.

Submission:

Labcorp Genetics (formerly Invitae), Labcorp
Classification: Uncertain significance. Last evaluated: 2024-02-03. Review status: criteria provided, single submitter. Criteria: Invitae Variant Classification Sherloc (09022015). Collection method: clinical testing. Allele origin: germline.
Comment: This sequence change falls in intron 7 of the CHD8 gene. It does not directly change the encoded amino acid sequence of the CHD8 protein. This variant is present in population databases (rs113214324, gnomAD 0.03%). This variant has not been reported in the literature in individuals affected with CHD8-related conditions. Algorithms developed to predict the effect of sequence changes on RNA splicing suggest that this variant may disrupt the consensus splice site. In summary, the available evidence is currently insufficient to determine the role of this variant in disease. Therefore, it has been classified as a Variant of Uncertain Significance.

NM_001170629.2(CHD8):c.2025-6C>G

Gene: CHD8 (chromodomain helicase DNA binding protein 8; minus strand). Cytogenetic location: 14q11.2.
Variant type: single nucleotide variant.
Coding change: c.2025-6C>G on transcript NM_001170629.2 (MANE Select); 6 bases into the intron before coding-DNA position 2025, C replaced by G.
Molecular consequence: intron variant.
Genome position (GRCh38, 1-based): chr14:21,414,424, G>C on the plus strand (C>G on the coding strand, the complement: CHD8 is on the minus strand). VCF-style: chr14-21414424-G-C. GRCh37 (hg19) VCF-style: chr14-21882583-G-C.
Other names: c.1188-6C>G (NM_020920.4).
Identifiers: ClinVar variation 3631618 (VCV003631618.2).